The following is an entry in ClinVar:

ClinVar aggregate classification (germline): Uncertain significance (1 of 4 stars; one submission).

Submission:

Labcorp Genetics (formerly Invitae), Labcorp
Classification: Uncertain significance. Last evaluated: 2017-06-24. Review status: criteria provided, single submitter. Criteria: Invitae Variant Classification Sherloc (09022015). Collection method: clinical testing. Allele origin: germline.
Comment: This sequence change replaces proline with histidine at codon 1582 of the POLE protein (p.Pro1582His). The proline residue is highly conserved and there is a moderate physicochemical difference between proline and histidine. This variant is not present in population databases (ExAC no frequency). This variant has not been reported in the literature in individuals with POLE-related disease. Algorithms developed to predict the effect of missense changes on protein structure and function do not agree on the potential impact of this missense change (SIFT: "Deleterious"; PolyPhen-2: "Probably Damaging"; Align-GVGD: "Class C0"). In summary, the available evidence is currently insufficient to determine the role of this variant in disease. Therefore, it has been classified as a Variant of Uncertain Significance.

NM_006231.4(POLE):c.4745C>A (p.Pro1582His)

Gene: POLE (DNA polymerase epsilon, catalytic subunit; minus strand). Cytogenetic location: 12q24.33.
Variant type: single nucleotide variant.
Coding change: c.4745C>A on transcript NM_006231.4 (MANE Select); coding-DNA position 4745, C replaced by A.
Protein change: p.Pro1582His; replaces proline 1582 with histidine.
Molecular consequence: missense variant.
Genome position (GRCh38, 1-based): chr12:132,642,713, G>T on the plus strand (C>A on the coding strand, the complement: POLE is on the minus strand). VCF-style: chr12-132642713-G-T. GRCh37 (hg19) VCF-style: chr12-133219299-G-T.
Other names: short protein forms P1582H.
Identifiers: ClinVar variation 473691 (VCV000473691.8), dbSNP rs1555222617, ClinGen allele CA387378528.